The following is an entry in ClinVar:

NM_000059.4(BRCA2):c.5681dup (p.Tyr1894Ter)

Gene: BRCA2 (BRCA2 DNA repair associated; plus strand). Cytogenetic location: 13q13.1.
Variant type: Duplication.
Coding change: c.5681dup on transcript NM_000059.4 (MANE Select); coding-DNA position 5681, one base duplicated (A; older notation c.5681dupA).
Protein change: p.Tyr1894Ter; replaces tyrosine 1894 with a stop codon.
Genome position (GRCh38, 1-based): chr13:32,340,036, A duplicated. VCF-style (leftmost placement, unchanged base first): chr13-32340035-T-TA. GRCh37 (hg19) VCF-style: chr13-32914172-T-TA.
Other names: p.Tyr1894X; 5909insA; c.5681dupA (NM_000059.3); short protein forms Y1894*.
Identifiers: ClinVar variation 37988 (VCV000037988.77), dbSNP rs80359527, ClinGen allele CA022953.

ClinVar aggregate classification (germline): Pathogenic. Review status: reviewed by expert panel (3 of 4 stars). 20 submissions from 20 submitters: Pathogenic (1). 19 of the submissions do not count toward it. Last evaluated 2016-04-22.

Conditions:
Hereditary cancer-predisposing syndrome. Also called: Neoplastic Syndromes, Hereditary; Tumor predisposition; Hereditary Cancer Syndrome; Hereditary neoplastic syndrome. Identifiers: Orphanet 140162, MedGen C0027672, MeSH D009386, MONDO:0015356.
Hereditary breast ovarian cancer syndrome. Also called: Hereditary breast and ovarian cancer; Breast and ovarian cancer; Hereditary breast and/or ovarian cancer syndrome; Hereditary breast and ovarian cancer syndrome (HBOC); Hereditary breast and ovarian cancer syndrome; BRCA1- and BRCA2-Associated Hereditary Breast and Ovarian Cancer. Identifiers: Orphanet 145, MedGen C0677776, MeSH D061325, MONDO:0003582. Disease mechanism: loss of function.
Breast-ovarian cancer, familial, susceptibility to, 2 (BROVCA2). Also called: BRCA2 Hereditary Breast and Ovarian Cancer. Identifiers: Orphanet 145, MedGen C2675520, MONDO:0012933, OMIM 612555. Disease mechanism: loss of function.
Familial cancer of breast. Also called: BREAST CANCER, FAMILIAL; Hereditary breast cancer; hereditary breast carcinoma. Identifiers: Orphanet 227535, MedGen C0346153, MONDO:0016419, OMIM 114480. Disease mechanism: loss of function.

Allele frequency attached by ClinVar (database versions not stated): gnomAD exomes below 0.00001.

Submissions 1 to 10 of 20:

Evidence-based Network for the Interpretation of Germline Mutant Alleles (ENIGMA)
Classification: Pathogenic for Breast-ovarian cancer, familial, susceptibility to, 2. Last evaluated: 2016-04-22. Review status: reviewed by expert panel. Criteria: ENIGMA BRCA1/2 Classification Criteria (2015). Collection method: curation. Allele origin: germline.
Comment: Variant allele predicted to encode a truncated non-functional protein.

Ambry Genetics
Classification: Pathogenic for Hereditary cancer-predisposing syndrome. Last evaluated: 2026-01-26. Review status: criteria provided, single submitter. Criteria: Ambry Variant Classification Scheme 2023. Collection method: clinical testing. Allele origin: germline. Not counted in ClinVar's aggregate classification.
Comment: The c.5681dupA (p.Y1894*) alteration, located in exon 11 (coding exon 10) of the BRCA2 gene, consists of a duplication of A at position 5681, causing a translational frameshift with a predicted alternate stop codon (p.Y1894*). This alteration is expected to result in loss of function by premature protein truncation or nonsense-mediated mRNA decay. Based on data from gnomAD, the AA allele has an overall frequency of <0.001% (1/250446) total alleles studied. The highest observed frequency was 0.005% (1/18390) of East Asian alleles. This variant has been previously reported in multiple breast and/or ovarian cancer cohorts (van der Hout, 2006; Li, 2008; Solano, 2012; Castro, 2016; Sun, 2017; Palmero, 2018; Wen, 2018). Of note, this alteration is also designated as 5909insA in published literature. Based on the available evidence, this alteration is classified as pathogenic.

Labcorp Genetics (formerly Invitae), Labcorp
Classification: Pathogenic for Hereditary breast ovarian cancer syndrome. Last evaluated: 2025-11-24. Review status: criteria provided, single submitter. Criteria: Invitae Variant Classification Sherloc (09022015). Collection method: clinical testing. Allele origin: germline. Not counted in ClinVar's aggregate classification.
Comment: This sequence change creates a premature translational stop signal (p.Tyr1894*) in the BRCA2 gene. It is expected to result in an absent or disrupted protein product. Loss-of-function variants in BRCA2 are known to be pathogenic (PMID: 20104584). This variant is present in population databases (rs80359527, gnomAD 0.006%). This premature translational stop signal has been observed in individual(s) with breast and/or ovarian cancer (PMID: 11241844, 16683254, 23697973). This variant is also known as 5909insA. ClinVar contains an entry for this variant (Variation ID: 37988). For these reasons, this variant has been classified as Pathogenic.

Color Diagnostics, LLC DBA Color Health
Classification: Pathogenic for Hereditary cancer-predisposing syndrome. Last evaluated: 2025-10-28. Review status: criteria provided, single submitter. Criteria: ACMG Guidelines, 2015. Collection method: clinical testing. Allele origin: germline. Not counted in ClinVar's aggregate classification.
Comment: This variant inserts 1 nucleotide in exon 11 of the BRCA2 gene, creating a premature translation stop signal. This variant is expected to result in an absent or non-functional protein product. This variant has been reported in several individuals affected with breast cancer and in suspected hereditary breast and ovarian cancer families (PMID: 16683254, 17851763, 27153395, 28294317, 28724667, 28947987, 28993434, 29907814, 32347951). This variant has been detected in a breast cancer case-control meta-analysis in 2/60466 cases and 1/53461 unaffected individuals (PMID: 33471991LOVD DB-ID BRCA2_001604). Multifactorial analysis reached a combined likelihood ratio (LR) of 2310.022 based on personal and family history LR and case-control LR (PMID: 31853058, 40413188). This variant has been identified in 1/250446 chromosomes in the general population by the Genome Aggregation Database (gnomAD). Loss of BRCA2 function is a known mechanism of disease. Based on the available evidence, this variant is classified as Pathogenic.

CeGaT Center for Human Genetics Tuebingen
Classification: Pathogenic. Last evaluated: 2024-11-01. Review status: criteria provided, single submitter. Criteria: CeGaT Center For Human Genetics Tuebingen Variant Classification Criteria Version 2. Collection method: clinical testing. Allele origin: germline. Affected: yes. Observed: 3 variant alleles. Not counted in ClinVar's aggregate classification.
Comment: BRCA2: PVS1, PM2, PS4:Moderate

GeneDx
Classification: Pathogenic. Last evaluated: 2024-09-20. Review status: criteria provided, single submitter. Criteria: GeneDx Variant Classification Process June 2021. Collection method: clinical testing. Allele origin: germline. Affected: yes. Not counted in ClinVar's aggregate classification.
Comment: Nonsense variant predicted to result in protein truncation or nonsense mediated decay in a gene for which loss of function is a known mechanism of disease; Not observed at significant frequency in large population cohorts (gnomAD); Truncating variants in this gene are considered pathogenic by a well-established clinical consortium and/or database; Also known as 5909dup; This variant is associated with the following publications: (PMID: 26852015, 15131399, 17851763, 17922257, 29310832, 32879886, 35957908, 36367610, 11241844, 18042939, 21324516, 10550133, 27356891, 16683254, 11897832, 23961350, 27721756, 29061375, 29907814, 23697973, 28724667, 28993434, 30720863, 30720243, 30702160, 30322717, 31447099, 34399810, 31825140, 30787465, 32467295, 33151324, 29922827, 35864222, 33461583)

Baylor Genetics
Classification: Pathogenic for Familial cancer of breast. Last evaluated: 2024-03-24. Review status: criteria provided, single submitter. Criteria: ACMG Guidelines, 2015. Collection method: clinical testing. Allele origin: unknown. Not counted in ClinVar's aggregate classification.

Quest Diagnostics Nichols Institute San Juan Capistrano
Classification: Pathogenic. Last evaluated: 2024-03-21. Review status: criteria provided, single submitter. Criteria: Quest Diagnostics criteria. Collection method: clinical testing. Allele origin: unknown. Not counted in ClinVar's aggregate classification.
Comment: The BRCA2 c.5681dup (p.Tyr1894*) variant causes the premature termination of BRCA2 protein synthesis. This variant has been reported in the published literature in individuals affected with breast and/or ovarian cancer (PMIDs: 36537080 (2023), 30720863 (2019), 30322717 (2018), 28993434 (2018), 18042939 (2007)). The frequency of this variant in the general population, 0.000054 (1/18390 chromosomes (Genome Aggregation Database)), is consistent with pathogenicity. Based on the available information, this variant is classified as pathogenic.

All of Us Research Program, National Institutes of Health
Classification: Pathogenic for Breast-ovarian cancer, familial, susceptibility to, 2. Last evaluated: 2023-07-19. Review status: criteria provided, single submitter. Criteria: ACMG Guidelines, 2015. Collection method: clinical testing. Allele origin: germline. Inheritance: Autosomal dominant inheritance. Observed: 1 variant allele, 1 heterozygote. Not counted in ClinVar's aggregate classification.
Comment: This variant inserts an adenine nucleotide into exon 11 creating a premature stop signal. To our knowledge, functional studies have not been reported for this variant. This variant is expected to result in an absent or non-functional protein product. This variant has been reported in individuals affected with breast or ovarian cancer (PMID: 16683254, 17851763, 27153395, 28947987, 28294317, 28724667, 28993434, 29907814). This variant has been identified in 1/250446 chromosomes in the general population by the Genome Aggregation Database (gnomAD). Loss of BRCA2 function is a known mechanism of disease. Based on the available evidence, this variant is classified as Pathogenic.

This study involves interpretation of variants in research participants for the purpose of population health screening. Participant phenotype was not available at the time of variant classification. Additional details can be found in publication PMID: 35346344, PMCID: PMC8962531

Women's Health and Genetics/Laboratory Corporation of America, LabCorp
Classification: Pathogenic for Hereditary breast and ovarian cancer syndrome. Last evaluated: 2020-09-03. Review status: criteria provided, single submitter. Criteria: LabCorp Variant Classification Summary - May 2015. Collection method: clinical testing. Allele origin: germline. Not counted in ClinVar's aggregate classification.
Comment: Variant summary: BRCA2 c.5681dupA (p.Tyr1894X) results in a premature termination codon, predicted to cause a truncation of the encoded protein or absence of the protein due to nonsense mediated decay, which are commonly known mechanisms for disease. Truncations downstream of this position have been classified as pathogenic by our laboratory. The variant allele was found at a frequency of 4e-06 in 250446 control chromosomes. c.5681dupA has been reported in the literature in multiple individuals affected with Hereditary Breast And Ovarian Cancer Syndrome (examples Hamann_2002, Tai_2007, Solano_2012, Rebbeck_2018). These data indicate that the variant is very likely to be associated with disease. To our knowledge, no experimental evidence demonstrating an impact on protein function has been reported. Ten other ClinVar submitters (evaluation after 2014) have cited the variant as pathogenic. Based on the evidence outlined above, the variant was classified as pathogenic.